The following is an entry in ClinVar:

NM_001035.3(RYR2):c.1424A>G (p.Lys475Arg)

Gene: RYR2 (ryanodine receptor 2; plus strand). Cytogenetic location: 1q43.
Variant type: single nucleotide variant.
Coding change: c.1424A>G on transcript NM_001035.3 (MANE Select); coding-DNA position 1424, A replaced by G.
Protein change: p.Lys475Arg; replaces lysine 475 with arginine.
Molecular consequence: missense variant.
Genome position (GRCh38, 1-based): chr1:237,454,522, A>G. VCF-style: chr1-237454522-A-G. GRCh37 (hg19) VCF-style: chr1-237617822-A-G.
Other names: c.1424A>G, p.Lys475Arg (LRG_402t1); short protein forms K475R.
Identifiers: ClinVar variation 463576 (VCV000463576.18), dbSNP rs750510651, ClinGen allele CA085615.

ClinVar aggregate classification (germline): Uncertain significance. Review status: criteria provided, multiple submitters, no conflicts (2 of 4 stars). 5 submissions from 5 submitters: Uncertain significance (5). Last evaluated 2024-10-17.

Conditions:
Catecholaminergic polymorphic ventricular tachycardia (CVPT). Also called: Catecholamine-induced polymorphic ventricular tachycardia. Identifiers: Orphanet 3286, MedGen C5574922, MONDO:0017990.
Arrhythmogenic right ventricular cardiomyopathy (ARVD). Also called: Cardiomyopathy, ARVC; Arrhythmogenic right ventricular dysplasia; Arrhythmogenic cardiomyopathy; Arrhythmogenic Right Ventricular Cardiomyopathy (ARVC). Identifiers: Orphanet 247, MedGen C0349788, MeSH D019571, MONDO:0016587. Disease mechanism: loss of function. Inheritance: Various modes of inheritance.
Cardiomyopathy (CMYO). Also called: Cardiomyopathies. Identifiers: Orphanet 167848, MedGen C0878544, MONDO:0004994, HP:0001638. Inheritance: Various modes of inheritance.
Catecholaminergic polymorphic ventricular tachycardia 1. Also called: VENTRICULAR TACHYCARDIA, STRESS-INDUCED POLYMORPHIC 1; RYR2-Related Catecholaminergic Polymorphic Ventricular Tachycardia; VENTRICULAR TACHYCARDIA, CATECHOLAMINERGIC POLYMORPHIC, 1, WITH OR WITHOUT ATRIAL DYSFUNCTION AND/OR DILATED CARDIOMYOPATHY. Identifiers: Orphanet 3286, MedGen C1631597, MONDO:0011484, OMIM 604772.

Allele frequency attached by ClinVar (database versions not stated): gnomAD exomes below 0.00001; ExAC 0.00001; gnomAD 0.00001; TOPMed 0.00001.
gnomAD v4.1: 3 of 1,613,464 alleles (0.00019%); highest among the groups gnomAD compares: Non-Finnish European, 0.00025%; no homozygotes.

Submissions (5):

GeneDx
Classification: Uncertain significance. Last evaluated: 2024-10-17. Review status: criteria provided, single submitter. Criteria: GeneDx Variant Classification Process June 2021. Collection method: clinical testing. Allele origin: germline. Affected: yes.
Comment: Has not been previously published as pathogenic or benign to our knowledge; Not observed at significant frequency in large population cohorts (gnomAD); In silico analysis indicates that this missense variant does not alter protein structure/function; This variant is associated with the following publications: (PMID: 19926015)

All of Us Research Program, National Institutes of Health
Classification: Uncertain significance for Catecholaminergic polymorphic ventricular tachycardia. Last evaluated: 2023-11-02. Review status: criteria provided, single submitter. Criteria: ACMG Guidelines, 2015. Collection method: clinical testing. Allele origin: germline. Inheritance: Autosomal dominant inheritance. Observed: 1 variant allele, 1 heterozygote.
Comment: This missense variant replaces lysine with arginine at codon 475 of the RYR2 protein. Computational prediction tools and conservation analyses are inconclusive regarding the impact of this variant on the protein function. Computational splicing tools suggest that this variant may not impact RNA splicing. To our knowledge, functional assays have not been performed for this variant nor has this variant been reported in individuals affected with cardiovascular disorders in the literature. This variant has been identified in 1/248672 chromosomes in the general population by the Genome Aggregation Database (gnomAD). Available evidence is insufficient to determine the role of this variant in disease conclusively. Therefore, this variant is classified as a Variant of Uncertain Significance.

This study involves interpretation of variants in research participants for the purpose of population health screening. Participant phenotype was not available at the time of variant classification. Additional details can be found in publication PMID: 35346344, PMCID: PMC8962531

Color Diagnostics, LLC DBA Color Health
Classification: Uncertain significance for Cardiomyopathy. Last evaluated: 2023-10-19. Review status: criteria provided, single submitter. Criteria: ACMG Guidelines, 2015. Collection method: clinical testing. Allele origin: germline.
Comment: This missense variant replaces lysine with arginine at codon 475 of the RYR2 protein. Computational prediction suggests that this variant may not impact protein structure and function (internally defined REVEL score threshold <= 0.5, PMID: 27666373). To our knowledge, functional studies have not been reported for this variant. This variant has not been reported in individuals affected with RYR2-related disorders in the literature. This variant has been identified in 1/248672 chromosomes in the general population by the Genome Aggregation Database (gnomAD). The available evidence is insufficient to determine the role of this variant in disease conclusively. Therefore, this variant is classified as a Variant of Uncertain Significance.

Labcorp Genetics (formerly Invitae), Labcorp
Classification: Uncertain significance for Catecholaminergic polymorphic ventricular tachycardia 1. Last evaluated: 2023-05-15. Review status: criteria provided, single submitter. Criteria: Invitae Variant Classification Sherloc (09022015). Collection method: clinical testing. Allele origin: germline.
Comment: This variant is present in population databases (rs750510651, gnomAD 0.0009%). This sequence change replaces lysine, which is basic and polar, with arginine, which is basic and polar, at codon 475 of the RYR2 protein (p.Lys475Arg). This variant has not been reported in the literature in individuals affected with RYR2-related conditions. ClinVar contains an entry for this variant (Variation ID: 463576). Advanced modeling of protein sequence and biophysical properties (such as structural, functional, and spatial information, amino acid conservation, physicochemical variation, residue mobility, and thermodynamic stability) performed at Invitae indicates that this missense variant is not expected to disrupt RYR2 protein function. In summary, the available evidence is currently insufficient to determine the role of this variant in disease. Therefore, it has been classified as a Variant of Uncertain Significance.

Molecular Diagnostic Laboratory for Inherited Cardiovascular Disease, Montreal Heart Institute
Classification: Uncertain significance for Familial isolated arrhythmogenic right ventricular dysplasia. Last evaluated: 2017-03-31. Review status: criteria provided, single submitter. Criteria: ACMG Guidelines, 2015. Collection method: clinical testing. Allele origin: germline. Affected: yes.